The following is an entry in ClinVar:

NM_024675.4(PALB2):c.2895T>C (p.Asn965=)

Gene: PALB2 (partner and localizer of BRCA2; minus strand). Cytogenetic location: 16p12.2.
Variant type: single nucleotide variant.
Coding change: c.2895T>C on transcript NM_024675.4 (MANE Select); coding-DNA position 2895, T replaced by C.
Protein change: p.Asn965=; no amino-acid change (asparagine 965 retained).
Molecular consequence: synonymous variant.
Genome position (GRCh38, 1-based): chr16:23,623,070, A>G on the plus strand (T>C on the coding strand, the complement: PALB2 is on the minus strand). VCF-style: chr16-23623070-A-G. GRCh37 (hg19) VCF-style: chr16-23634391-A-G.
Identifiers: ClinVar variation 460965 (VCV000460965.14), dbSNP rs1555459569, ClinGen allele CA494180476.

ClinVar aggregate classification (germline): Benign/Likely benign. Review status: criteria provided, multiple submitters, no conflicts (2 of 4 stars). 3 submissions from 3 submitters: Benign (1); Likely benign (2). Last evaluated 2025-09-02.

Conditions:
Familial cancer of breast. Also called: BREAST CANCER, FAMILIAL; Hereditary breast cancer; hereditary breast carcinoma. Identifiers: Orphanet 227535, MedGen C0346153, MONDO:0016419, OMIM 114480. Disease mechanism: loss of function.
Hereditary cancer-predisposing syndrome. Also called: Neoplastic Syndromes, Hereditary; Hereditary Cancer Syndrome; Hereditary neoplastic syndrome; Tumor predisposition. Identifiers: Orphanet 140162, MedGen C0027672, MeSH D009386, MONDO:0015356.

Allele frequency attached by ClinVar (database versions not stated): gnomAD exomes below 0.00001.
gnomAD v4.1: 1 of 1,614,024 alleles (0.000062%); highest among the groups gnomAD compares: Non-Finnish European, 0.000085%; no homozygotes.

Submissions (3):

Labcorp Genetics (formerly Invitae), Labcorp
Classification: Likely benign for Familial cancer of breast. Last evaluated: 2025-09-02. Review status: criteria provided, single submitter. Criteria: Invitae Variant Classification Sherloc (09022015). Collection method: clinical testing. Allele origin: germline.

Myriad Genetics, Inc.
Classification: Benign for Familial cancer of breast. Last evaluated: 2025-01-21. Review status: criteria provided, single submitter. Criteria: Myriad Autosomal Dominant, Autosomal Recessive and X-Linked Classification Criteria (2023). Collection method: clinical testing. Allele origin: unknown.
Comment: This variant is considered benign. This variant is a silent/synonymous amino acid change and it is not expected to impact splicing.

Ambry Genetics
Classification: Likely benign for Hereditary cancer-predisposing syndrome. Last evaluated: 2023-09-07. Review status: criteria provided, single submitter. Criteria: Ambry Variant Classification Scheme 2023. Collection method: clinical testing. Allele origin: germline.